The following is an entry in ClinVar:

ClinVar aggregate classification (germline): Uncertain significance (1 of 4 stars; one submission).

Conditions:
Hereditary cancer-predisposing syndrome. Also called: Neoplastic Syndromes, Hereditary; Tumor predisposition; Hereditary Cancer Syndrome; Hereditary neoplastic syndrome. Identifiers: Orphanet 140162, MedGen C0027672, MeSH D009386, MONDO:0015356.

Submission:

Ambry Genetics
Classification: Uncertain significance for Hereditary cancer-predisposing syndrome. Last evaluated: 2025-10-02. Review status: criteria provided, single submitter. Criteria: Ambry Variant Classification Scheme 2023. Collection method: clinical testing. Allele origin: germline.
Comment: The c.1359+2C>A intronic variant results from a C to A substitution two nucleotides after coding exon 13 in the POLE gene. This nucleotide position is not well conserved in available vertebrate species. In silico splice site analysis predicts that this alteration will weaken the native splice donor site. Although biallelic loss of function of POLE has been associated with autosomal recessive POLE deficiency, haploinsufficiency of POLE has not been established as a mechanism of disease for POLE-related polymerase proofreading-associated polyposis (PPAP) and POLE-related CMMRD-like syndrome. Based on the supporting evidence, this variant is expected to be causative of POLE deficiency when present along with a second pathogenic variant on the other allele; however, its clinical significance for PPAP and POLE-related CMMRD-like syndrome is unclear.

NM_006231.4(POLE):c.1359+2C>A

Gene: POLE (DNA polymerase epsilon, catalytic subunit; minus strand). Cytogenetic location: 12q24.33.
Variant type: single nucleotide variant.
Coding change: c.1359+2C>A on transcript NM_006231.4 (MANE Select); the canonical splice donor site of the intron after coding-DNA position 1359, C replaced by A.
Molecular consequence: splice donor variant.
Genome position (GRCh38, 1-based): chr12:132,673,573, G>T on the plus strand (C>A on the coding strand, the complement: POLE is on the minus strand). VCF-style: chr12-132673573-G-T. GRCh37 (hg19) VCF-style: chr12-133250159-G-T.
Identifiers: ClinVar variation 4671669 (VCV004671669.1).